The following is an entry in ClinVar:

ClinVar aggregate classification (germline): Uncertain significance (1 of 4 stars; one submission).

Conditions:
Combined immunodeficiency due to MALT1 deficiency. Also called: Immunodeficiency 12. Identifiers: Orphanet 397964, MedGen C3809583, MONDO:0014197, OMIM 615468.

Allele frequency attached by ClinVar (database versions not stated): gnomAD exomes below 0.00001; ExAC 0.00001.
gnomAD v4.1: 1 of 1,611,236 alleles (0.000062%); highest among the groups gnomAD compares: Non-Finnish European, 0.000085%; no homozygotes.

Submission:

Molecular Genetics, Royal Melbourne Hospital
Classification: Uncertain significance for Combined immunodeficiency due to MALT1 deficiency. Last evaluated: 2023-09-04. Review status: criteria provided, single submitter. Criteria: ACMG Guidelines, 2015. Collection method: clinical testing. Allele origin: germline. Inheritance: Autosomal recessive inheritance.
Comment: This sequence change in MALT1 is predicted to replace valine with alanine at codon 231, p.(Val231Ala). The valine residue is moderately conserved (100 vertebrates, UCSC), and is located in the Ig-like C2 domain. There is a moderate physicochemical difference between valine and alanine. The highest population minor allele frequency in the population database gnomAD v2.1 is 0.0008% (1/113,108 alleles) in the European non-Finnish population. To our knowledge, this variant has not been previously reported in the relevant scientific literature or databases. Computational evidence predicts a benign effect for the missense substitution (REVEL = 0.027). Based on the classification scheme RMH Modified ACMG/AMP Guidelines v1.6.1, this variant is classified as a VARIANT OF UNCERTAIN SIGNIFICANCE. Following criteria are met: PM2_Supporting, BP4

NM_006785.4(MALT1):c.692T>C (p.Val231Ala)

Gene: MALT1 (MALT1 paracaspase; plus strand). Cytogenetic location: 18q21.32.
Variant type: single nucleotide variant.
Coding change: c.692T>C on transcript NM_006785.4 (MANE Select); coding-DNA position 692, T replaced by C.
Protein change: p.Val231Ala; replaces valine 231 with alanine.
Molecular consequence: missense variant.
Genome position (GRCh38, 1-based): chr18:58,709,420, T>C. VCF-style: chr18-58709420-T-C. GRCh37 (hg19) VCF-style: chr18-56376652-T-C.
Other names: c.692T>C, p.Val231Ala (NM_173844.3); short protein forms V231A.
Identifiers: ClinVar variation 3068697 (VCV003068697.1), dbSNP rs779187071, ClinGen allele CA8977701.